The following is an entry in ClinVar:

NM_000492.4(CFTR):c.323C>T (p.Ser108Phe)

Gene: CFTR (CF transmembrane conductance regulator; plus strand). Cytogenetic location: 7q31.2.
Variant type: single nucleotide variant.
Coding change: c.323C>T on transcript NM_000492.4 (MANE Select); coding-DNA position 323, C replaced by T.
Protein change: p.Ser108Phe; replaces serine 108 with phenylalanine.
Molecular consequence: missense variant.
Genome position (GRCh38, 1-based): chr7:117,530,948, C>T. VCF-style: chr7-117530948-C-T. GRCh37 (hg19) VCF-style: chr7-117171002-C-T.
Other names: short protein forms S108F.
Identifiers: ClinVar variation 53692 (VCV000053692.12), dbSNP rs397508520, ClinGen allele CA327108.

ClinVar aggregate classification (germline): Conflicting classifications of pathogenicity. Review status: criteria provided, conflicting classifications (1 of 4 stars). 8 submissions from 8 submitters: Pathogenic (1); Likely pathogenic (3); Uncertain significance (2). 2 of the submissions do not count toward it. Last evaluated 2025-08-07.

Conditions:
CFTR-related disorder (CFTR-RD). Also called: CFTR-related condition; CFTR-related disorders. Identifiers: MedGen C5924204, MONDO:7770004.
Cystic fibrosis (CF). Also called: MUCOVISCIDOSIS. Identifiers: Orphanet 586, MedGen C0010674, MONDO:0009061, OMIM 219700. Disease mechanism: loss of function.
Bronchiectasis with or without elevated sweat chloride 1 (BESC1). Also called: Cystic Fibrosis-Like Syndrome. Identifiers: Orphanet 60033, MedGen C2749757, MONDO:0008887, OMIM 211400.

Submissions (8):

Natera, Inc.
Classification: Likely pathogenic for CFTR-related disorders. Last evaluated: 2025-08-07. Review status: criteria provided, single submitter. Criteria: Natera Variant Classification Schema (03/2026). Collection method: clinical testing. Allele origin: germline.
Comment: The c.323C>T variant in CFTR is a missense variant predicted to cause substitution of serine to phenylalanine at amino acid 108. This variant is rare in the general population with a frequency below the threshold expected for the associated phenotype(s). This variant has been observed in one or more individuals affected with the associated recessive disease, as either homozygous or compound heterozygous with a second variant (PMID: 16488363). Functional studies show that this variant may disrupt protein function (PMID: 11278813, 38388235). Computational prediction algorithms indicate this variant is likely to affect gene or protein function. Given the available evidence, this variant is classified as Likely Pathogenic.

Baylor Genetics
Classification: Likely pathogenic for Bronchiectasis with or without elevated sweat chloride 1. Last evaluated: 2023-01-23. Review status: criteria provided, single submitter. Criteria: ACMG Guidelines, 2015. Collection method: clinical testing. Allele origin: unknown.

Institute of Human Genetics, University of Leipzig Medical Center
Classification: Uncertain significance for Cystic fibrosis. Last evaluated: 2022-09-05. Review status: criteria provided, single submitter. Criteria: ACMG Guidelines, 2015. Collection method: curation. Allele origin: unknown. Affected: yes. Observed: 2 variant alleles.
Comment: This variant was identified in 2 unrelated patients with a clinically confirmed diagnosis of cystic fibrosis. The variant was classified in the context of a project re-classifying variants in the German Cystic Fibrosis Registry (Muko.e.V.). Criteria applied: PM3, PM2_SUP, PP3, PP4

Genome-Nilou Lab
Classification: Likely pathogenic for Cystic fibrosis. Last evaluated: 2021-07-22. Review status: criteria provided, single submitter. Criteria: ACMG Guidelines, 2015. Collection method: clinical testing. Allele origin: germline. Affected: no.

CFTR-France
Classification: Pathogenic for cystic fibrosis; CFTR-related disorders. Last evaluated: 2018-01-29. Review status: criteria provided, single submitter. Criteria: Claustres M et al. (Hum Mutat 2017). Collection method: curation. Allele origin: germline. Affected: yes.
Comment: when the variant is in trans with another CF-causing variation, can either result in CF or in a CFTR-RD

Ambry Genetics
Classification: Uncertain significance for Cystic fibrosis. Last evaluated: 2017-03-23. Review status: criteria provided, single submitter. Criteria: Ambry Variant Classification Scheme 2023. Collection method: clinical testing. Allele origin: germline.
Comment: The p.S108F variant (also known as c.323C>T), located in coding exon 4 of the CFTR gene, results from a C to T substitution at nucleotide position 323. The serine at codon 108 is replaced by phenylalanine, an amino acid with highly dissimilar properties. This variant was identified in an individual with elevated sweat chloride levels and cystic fibrosis in conjunction with p.F508del and (TG)12-5T poly T variant; however, the phase of these alterations was not confirmed (Hirtz S et al. Gastroenterology, 2004 Oct;127:1085-95). This amino acid position is highly conserved in available vertebrate species. In addition, this alteration is predicted to be deleterious by in silico analysis. Based on available evidence to date, the clinical significance of this alteration remains unclear.

Counsyl
Classification: Uncertain significance for Cystic fibrosis. Last evaluated: 2018-05-22. Review status: no assertion criteria provided. Collection method: clinical testing. Allele origin: unknown. Not counted in ClinVar's aggregate classification.

ClinVar Staff, National Center for Biotechnology Information (NCBI)
No classification provided. Condition: CFTR-related disorders. Review status: no classification provided. Collection method: literature only. Allele origin: germline. Affected: yes. Not counted in ClinVar's aggregate classification.

Literature cited by the submitters: PubMed 16488363 (cited by Natera, Inc.); PubMed 11278813 (cited by 3 submitters); PubMed 38388235 (cited by Natera, Inc.); PubMed 15480987 (cited by 3 submitters); PubMed 9150843 (cited by Ambry Genetics and ClinVar Staff, National Center for Biotechnology Information (NCBI)).